The following is an entry in ClinVar:

ClinVar aggregate classification (germline): Likely benign (1 of 4 stars; one submission).

Allele frequency attached by ClinVar (database versions not stated): 1000 Genomes Project 0.00140; 1000 Genomes Project 30x 0.00141; ExAC 0.00262; gnomAD 0.00277; TOPMed 0.00301; ESP Exome Variant Server 0.00346.
gnomAD v4.1: 6,499 of 1,614,020 alleles (0.4%); highest among the groups gnomAD compares: Non-Finnish European, 0.48%; 19 homozygotes.

Submission:

CeGaT Center for Human Genetics Tuebingen
Classification: Likely benign. Last evaluated: 2023-01-01. Review status: criteria provided, single submitter. Criteria: CeGaT Center For Human Genetics Tuebingen Variant Classification Criteria Version 2. Collection method: clinical testing. Allele origin: germline. Affected: yes. Observed: 1 variant allele.
Comment: CDH20: BP4, BP7, BS2

NM_031891.4(CDH20):c.879C>T (p.Val293=)

Gene: CDH20 (cadherin 20; plus strand). Cytogenetic location: 18q21.33.
Variant type: single nucleotide variant.
Coding change: c.879C>T on transcript NM_031891.4 (MANE Select); coding-DNA position 879, C replaced by T.
Protein change: p.Val293=; no amino-acid change (valine 293 retained).
Molecular consequence: synonymous variant.
Genome position (GRCh38, 1-based): chr18:61,507,422, C>T. VCF-style: chr18-61507422-C-T. GRCh37 (hg19) VCF-style: chr18-59174655-C-T.
Identifiers: ClinVar variation 2648772 (VCV002648772.24), dbSNP rs141370412, ClinGen allele CA8981253.